The following is an entry in ClinVar:

NM_001110556.2(FLNA):c.5230G>T (p.Asp1744Tyr)

Gene: FLNA (filamin A; minus strand). Cytogenetic location: Xq28.
Variant type: single nucleotide variant.
Coding change: c.5230G>T on transcript NM_001110556.2 (MANE Select); coding-DNA position 5230, G replaced by T.
Protein change: p.Asp1744Tyr; replaces aspartic acid 1744 with tyrosine.
Molecular consequence: missense variant.
Genome position (GRCh38, 1-based): chrX:154,354,699, C>A on the plus strand (G>T on the coding strand, the complement: FLNA is on the minus strand). VCF-style: chrX-154354699-C-A. GRCh37 (hg19) VCF-style: chrX-153583067-C-A.
Other names: c.5206G>T, p.Asp1736Tyr (NM_001456.4); short protein forms D1736Y, D1744Y.
Identifiers: ClinVar variation 3753980 (VCV003753980.2).
Genomic context (GRCh38, chrX:154,354,699, plus strand): 5'-CGTAGGTGTACTGTGGGGCCAGCTGCTGAGACCGTAGAGGGGGCTGCACCGAGGGCTGGT[C>A]CCCAGCCAGAGCCTGCAGGGCAAAGCAGAGAGCTGCTGGAGAGTCTGTTGTCACAGAGGG-3'
Protein context (NP_001104026.1, residues 1734-1754): SPFQVTALAG[Asp1744Tyr]QPSVQPPLRS

ClinVar aggregate classification (germline): Uncertain significance (1 of 4 stars; one submission).

Conditions:
Melnick-Needles syndrome (MNS). Also called: MELNICK-NEEDLES OSTEODYSPLASTY; OSTEODYSPLASTY OF MELNICK AND NEEDLES; Melnick-Needles Syndrome (FLNA-MNS). Identifiers: Orphanet 2484, MedGen C0025237, MONDO:0010650, OMIM 309350.
Frontometaphyseal dysplasia (FMD1). Identifiers: Orphanet 1826, MedGen C0265293, MONDO:0015942.
Heterotopia, periventricular, X-linked dominant (PVNH1). Also called: PERIVENTRICULAR NODULAR HETEROTOPIA 1; X-linked periventricular heterotopia; PERIVENTRICULAR NODULAR HETEROTOPIA 4; HETEROTOPIA, PERIVENTRICULAR, 1. Identifiers: Orphanet 2149, Orphanet 82004, MedGen C1848213, MONDO:0010233, OMIM 300049.
Oto-palato-digital syndrome, type II (OPD2). Also called: FACIOPALATOOSSEOUS SYNDROME; OPD II SYNDROME; Otopalatodigital Syndrome, Type II; Otopalatodigital Syndrome Type 2 (FLNA-OPD2). Identifiers: Orphanet 669, Orphanet 90652, MedGen C1844696, MONDO:0010571, OMIM 304120.

Submission:

Labcorp Genetics (formerly Invitae), Labcorp
Classification: Uncertain significance for Oto-palato-digital syndrome, type II; Heterotopia, periventricular, X-linked dominant; Frontometaphyseal dysplasia; Melnick-Needles syndrome. Last evaluated: 2024-08-20. Review status: criteria provided, single submitter. Criteria: Invitae Variant Classification Sherloc (09022015). Collection method: clinical testing. Allele origin: germline.
Comment: This sequence change replaces aspartic acid, which is acidic and polar, with tyrosine, which is neutral and polar, at codon 1736 of the FLNA protein (p.Asp1736Tyr). This variant is not present in population databases (gnomAD no frequency). This variant has not been reported in the literature in individuals affected with FLNA-related conditions. Invitae Evidence Modeling of protein sequence and biophysical properties (such as structural, functional, and spatial information, amino acid conservation, physicochemical variation, residue mobility, and thermodynamic stability) indicates that this missense variant is not expected to disrupt FLNA protein function with a negative predictive value of 95%. In summary, the available evidence is currently insufficient to determine the role of this variant in disease. Therefore, it has been classified as a Variant of Uncertain Significance.